The following is an entry in ClinVar:

NM_032043.3(BRIP1):c.1897A>G (p.Ile633Val)

Gene: BRIP1 (BRCA1 interacting DNA helicase 1; minus strand). Cytogenetic location: 17q23.2.
Variant type: single nucleotide variant.
Coding change: c.1897A>G on transcript NM_032043.3 (MANE Select); coding-DNA position 1897, A replaced by G.
Protein change: p.Ile633Val; replaces isoleucine 633 with valine.
Molecular consequence: missense variant.
Genome position (GRCh38, 1-based): chr17:61,780,299, T>C on the plus strand (A>G on the coding strand, the complement: BRIP1 is on the minus strand). VCF-style: chr17-61780299-T-C. GRCh37 (hg19) VCF-style: chr17-59857660-T-C.
Other names: short protein forms I633V.
Identifiers: ClinVar variation 1782177 (VCV001782177.4), dbSNP rs765314472, ClinGen allele CA8690638.

ClinVar aggregate classification (germline): Conflicting classifications of pathogenicity. Review status: criteria provided, conflicting classifications (1 of 4 stars). 2 submissions from 2 submitters: Uncertain significance (1); Likely benign (1). Last evaluated 2024-10-16.

Conditions:
Fanconi anemia complementation group J. Also called: BRIP1-Related Fanconi Anemia. Identifiers: Orphanet 84, MedGen C1836860, MONDO:0012187, OMIM 609054.
Familial cancer of breast. Also called: BREAST CANCER, FAMILIAL; Hereditary breast cancer; hereditary breast carcinoma. Identifiers: Orphanet 227535, MedGen C0346153, MONDO:0016419, OMIM 114480. Disease mechanism: loss of function.
Hereditary cancer-predisposing syndrome. Also called: Tumor predisposition; Neoplastic Syndromes, Hereditary; Hereditary Cancer Syndrome; Hereditary neoplastic syndrome. Identifiers: Orphanet 140162, MedGen C0027672, MeSH D009386, MONDO:0015356.

gnomAD v4.1: 2 of 1,613,062 alleles (0.00012%); highest among the groups gnomAD compares: Non-Finnish European, 0.00017%; no homozygotes.

Submissions (2):

Labcorp Genetics (formerly Invitae), Labcorp
Classification: Uncertain significance for Familial cancer of breast; Fanconi anemia complementation group J. Last evaluated: 2024-10-16. Review status: criteria provided, single submitter. Criteria: Invitae Variant Classification Sherloc (09022015). Collection method: clinical testing. Allele origin: germline.
Comment: This sequence change replaces isoleucine, which is neutral and non-polar, with valine, which is neutral and non-polar, at codon 633 of the BRIP1 protein (p.Ile633Val). This variant is present in population databases (rs765314472, gnomAD 0.002%). This variant has not been reported in the literature in individuals affected with BRIP1-related conditions. ClinVar contains an entry for this variant (Variation ID: 1782177). Invitae Evidence Modeling of protein sequence and biophysical properties (such as structural, functional, and spatial information, amino acid conservation, physicochemical variation, residue mobility, and thermodynamic stability) indicates that this missense variant is not expected to disrupt BRIP1 protein function with a negative predictive value of 95%. In summary, the available evidence is currently insufficient to determine the role of this variant in disease. Therefore, it has been classified as a Variant of Uncertain Significance.

Ambry Genetics
Classification: Likely benign for Hereditary cancer-predisposing syndrome. Last evaluated: 2022-10-30. Review status: criteria provided, single submitter. Criteria: Ambry Variant Classification Scheme 2023. Collection method: clinical testing. Allele origin: germline.